The following is an entry in ClinVar:

NM_000132.4(F8):c.6533G>T (p.Arg2178Leu)

Gene: F8 (coagulation factor VIII; minus strand). Cytogenetic location: Xq28.
Variant type: single nucleotide variant.
Coding change: c.6533G>T on transcript NM_000132.4 (MANE Select); coding-DNA position 6533, G replaced by T.
Protein change: p.Arg2178Leu; replaces arginine 2178 with leucine.
Molecular consequence: missense variant.
Genome position (GRCh38, 1-based): chrX:154,863,124, C>A on the plus strand (G>T on the coding strand, the complement: F8 is on the minus strand). VCF-style: chrX-154863124-C-A. GRCh37 (hg19) VCF-style: chrX-154091399-C-A.
Other names: F8, ARG2159LEU; R2159L; c.128G>T, p.Arg43Leu (NM_019863.3); short protein forms R2178L, R43L.
Identifiers: ClinVar variation 10314 (VCV000010314.4), dbSNP rs137852465, ClinGen allele CA255207.

ClinVar aggregate classification (germline): Pathogenic. Review status: criteria provided, multiple submitters, no conflicts (2 of 4 stars). 4 submissions from 4 submitters: Pathogenic (2). 2 of the submissions do not count toward it. Last evaluated 2025-07-31.

Conditions:
Hereditary factor VIII deficiency disease (HEMA). Also called: HEMOPHILIA, CLASSIC; Hemophilia A; Hemophilia A, congenital; HEM A; Factor 8 deficiency, congenital; AUTOSOMAL HEMOPHILIA A. Identifiers: Orphanet 98878, MedGen C0019069, MONDO:0010602, OMIM 306700.

Submissions (4):

ARUP Laboratories, Molecular Genetics and Genomics, ARUP Laboratories
Classification: Pathogenic. Last evaluated: 2025-07-31. Review status: criteria provided, single submitter. Criteria: ARUP Molecular Germline Variant Investigation Process 2024. Collection method: clinical testing. Allele origin: germline.
Comment: The F8 c.6533G>T; p.Arg2178Leu variant (rs137852465, ClinVar Variation ID: 10314), also known as p.Arg2159Leu in traditional nomenclature, is reported in the literature in multiple individuals affected with mild to moderate hemophilia A (F8 database, Johnsen 2022, Markoff 2009, Schwaab 1995). This variant is absent from the Genome Aggregation Database (v2.1.1), indicating it is not a common polymorphism. Additionally, other variants at this codon (c.6532C>T, p. Arg2178Cys; c.6533G>A, p. Arg2178His) have been reported in individuals with hemophilia A and are considered pathogenic (F8 database, Markoff 2009, Schwaab 1995). Computational analyses predict that this variant is deleterious (REVEL: 0.878). Based on available information, this variant is considered to be pathogenic. References: Link to F8 database: Johnsen et al. Results of genetic analysis of 11 341 participants enrolled in the My Life, Our Future hemophilia genotyping initiative in the United States. J Thromb Haemost. 2022 Sep;20(9):2022-2034. PMID: 35770352. Markoff et al. Combined homology modelling and evolutionary significance evaluation of missense mutations in blood clotting factor VIII to highlight aspects of structure and function. Haemophilia. 2009 Jul;15(4):932-41. PMID: 19473423. Schwaab et al. Characterization of mutations within the factor VIII gene of 73 unrelated mild and moderate haemophiliacs. Br J Haematol. 1995 Oct;91(2):458-64. PMID: 8547094.

Myriad Genetics, Inc.
Classification: Pathogenic for Hereditary factor VIII deficiency disease. Last evaluated: 2025-05-05. Review status: criteria provided, single submitter. Criteria: Myriad Autosomal Dominant, Autosomal Recessive and X-Linked Classification Criteria (2023). Collection method: clinical testing. Allele origin: unknown.
Comment: NM_000132.3(F8):c.6533G>T(R2178L) is a missense variant classified as pathogenic in the context of hemophilia A. R2178L has been observed in cases with relevant disease (PMID: 10607698, 10910913, 8547094, 36213555, 29296726). Relevant functional assessments of this variant are not available in the literature. R2178L has not been observed in referenced population frequency databases. In summary, NM_000132.3(F8):c.6533G>T(R2178L) is a missense variant that has been observed more frequently in cases with the relevant disease than in healthy populations. Please note: this variant was assessed in the context of healthy population screening.

OMIM
Classification: Pathogenic for HEMOPHILIA A. Last evaluated: 1995-01-01. Review status: no assertion criteria provided. Collection method: literature only. Allele origin: germline. Not counted in ClinVar's aggregate classification.

ISTH-SSC Genomics in Thrombosis and Hemostasis, KU Leuven, Center for Molecular and Vascular Biology
Classification: Likely pathogenic for Hereditary factor VIII deficiency disease. Review status: no assertion criteria provided. Collection method: research. Allele origin: unknown. Affected: yes. Not counted in ClinVar's aggregate classification.
Comment: Submitted to GoldVariant by Dr Karyn Mégy from NIHR Bioresource - Cambridge University, UK

Literature cited by the submitters: PubMed 10607698 (cited by Myriad Genetics, Inc.); PubMed 10910913 (cited by Myriad Genetics, Inc.); PubMed 29296726 (cited by Myriad Genetics, Inc.); PubMed 36213555 (cited by Myriad Genetics, Inc.); PubMed 8547094 (cited by Myriad Genetics, Inc.); PubMed 7728145 (cited by OMIM).